The following is an entry in ClinVar:

NM_001267727.2(ARSG):c.1574C>T (p.Ala525Val)

Genes: ARSG (arylsulfatase G; plus strand), PRKAR1A (protein kinase cAMP-dependent type I regulatory subunit alpha; plus strand). Cytogenetic location: 17q24.2.
Variant type: single nucleotide variant.
Coding change: c.1574C>T on transcript NM_001267727.2 (MANE Select); coding-DNA position 1574, C replaced by T.
Protein change: p.Ala525Val; replaces alanine 525 with valine.
Molecular consequence: missense variant. On other transcripts: intron variant (3).
Genome position (GRCh38, 1-based): chr17:68,420,459, C>T. VCF-style: chr17-68420459-C-T. GRCh37 (hg19) VCF-style: chr17-66416600-C-T.
Other names: c.1303+19009C>T (NM_001352910.2); c.1255+19009C>T (NM_001352909.2); c.-7+6664C>T (NM_001278433.2); c.1574C>T, p.Ala525Val (NM_001352899.2, NM_001352900.2, NM_001352901.2 and 2 more transcripts); c.1571C>T, p.Ala524Val (NM_001352903.2, NM_001352904.2, NM_001352905.2 and 2 more transcripts); short protein forms A524V, A525V.
Identifiers: ClinVar variation 2068129 (VCV002068129.5), dbSNP rs1368140484, ClinGen allele CA400749412.
Genomic context (GRCh38, chr17:68,420,459, plus strand): 5'-AGGACCCTTCAGTAACTCCCTGCTGTAATCCCTACCAAATTGCCTGCCGCTGTCAAGCCG[C>T]ATAACAGACCAATTTTTATTCCACGAGGAGGAGTACCTGGAAATTAGGCAAGTTTGCTTC-3'
Protein context (NP_001254656.1, residues 515-525): PYQIACRCQA[Ala525Val]

ClinVar aggregate classification (germline): Uncertain significance. Review status: criteria provided, multiple submitters, no conflicts (2 of 4 stars). 2 submissions from 2 submitters: Uncertain significance (2). Last evaluated 2024-04-25.

Allele frequency attached by ClinVar (database versions not stated): gnomAD exomes below 0.00001; TOPMed below 0.00001.
gnomAD v4.1: 1 of 1,605,632 alleles (0.000062%); highest among the groups gnomAD compares: Non-Finnish European, 0.000085%; no homozygotes.

Submissions (2):

Labcorp Genetics (formerly Invitae), Labcorp
Classification: Uncertain significance. Last evaluated: 2024-04-25. Review status: criteria provided, single submitter. Criteria: Invitae Variant Classification Sherloc (09022015). Collection method: clinical testing. Allele origin: germline.
Comment: This sequence change replaces alanine, which is neutral and non-polar, with valine, which is neutral and non-polar, at codon 525 of the ARSG protein (p.Ala525Val). This variant is not present in population databases (gnomAD no frequency). This variant has not been reported in the literature in individuals affected with ARSG-related conditions. ClinVar contains an entry for this variant (Variation ID: 2068129). Algorithms developed to predict the effect of missense changes on protein structure and function output the following: SIFT: "Not Available"; PolyPhen-2: "Benign"; Align-GVGD: "Not Available". The valine amino acid residue is found in multiple mammalian species, which suggests that this missense change does not adversely affect protein function. In summary, the available evidence is currently insufficient to determine the role of this variant in disease. Therefore, it has been classified as a Variant of Uncertain Significance.

Ambry Genetics
Classification: Uncertain significance. Last evaluated: 2024-03-07. Review status: criteria provided, single submitter. Criteria: Ambry Variant Classification Scheme 2023. Collection method: clinical testing. Allele origin: germline.